The following is an entry in ClinVar:

NM_005343.4(HRAS):c.115T>A (p.Ser39Thr)

Genes: HRAS (HRas proto-oncogene, GTPase; minus strand), LRRC56 (leucine rich repeat containing 56; plus strand). Cytogenetic location: 11p15.5.
Variant type: single nucleotide variant.
Coding change: c.115T>A on transcript NM_005343.4 (MANE Select); coding-DNA position 115, T replaced by A.
Protein change: p.Ser39Thr; replaces serine 39 with threonine.
Molecular consequence: missense variant. On other transcripts: 5 prime UTR variant (1).
Genome position (GRCh38, 1-based): chr11:533,941, A>T on the plus strand (T>A on the coding strand, the complement: HRAS is on the minus strand). VCF-style: chr11-533941-A-T. GRCh37 (hg19) VCF-style: chr11-533941-A-T.
Other names: c.115T>A, p.Ser39Thr (NM_001130442.3, NM_176795.5); c.-205T>A (NM_001318054.2); short protein forms S39T.
Identifiers: ClinVar variation 1437577 (VCV001437577.8), dbSNP rs2133991854, ClinGen allele CA378924818.

ClinVar aggregate classification (germline): Uncertain significance (1 of 4 stars; one submission).

Conditions:
Costello syndrome (CSTLO). Also called: FACIOCUTANEOSKELETAL SYNDROME; FCS SYNDROME; HRAS-Related Costello Syndrome. Identifiers: Orphanet 3071, MedGen C0587248, MONDO:0009026, OMIM 218040.

Submission:

Labcorp Genetics (formerly Invitae), Labcorp
Classification: Uncertain significance for Costello syndrome. Last evaluated: 2023-01-19. Review status: criteria provided, single submitter. Criteria: Invitae Variant Classification Sherloc (09022015). Collection method: clinical testing. Allele origin: germline.
Comment: This sequence change replaces serine, which is neutral and polar, with threonine, which is neutral and polar, at codon 39 of the HRAS protein (p.Ser39Thr). In summary, the available evidence is currently insufficient to determine the role of this variant in disease. Therefore, it has been classified as a Variant of Uncertain Significance. Algorithms developed to predict the effect of missense changes on protein structure and function (SIFT, PolyPhen-2, Align-GVGD) all suggest that this variant is likely to be disruptive. ClinVar contains an entry for this variant (Variation ID: 1437577). This variant has not been reported in the literature in individuals affected with HRAS-related conditions. This variant is not present in population databases (gnomAD no frequency).